The following is an entry in ClinVar:

ClinVar aggregate classification (germline): Uncertain significance (1 of 4 stars; one submission).

Allele frequency attached by ClinVar (database versions not stated): gnomAD exomes 0.00001; TOPMed 0.00001; ExAC 0.00001.

Submission:

Labcorp Genetics (formerly Invitae), Labcorp
Classification: Uncertain significance. Last evaluated: 2025-04-14. Review status: criteria provided, single submitter. Criteria: Invitae Variant Classification Sherloc (09022015). Collection method: clinical testing. Allele origin: germline.
Comment: This sequence change creates a premature translational stop signal (p.Ser793Lysfs*10) in the DDX58 gene. It is expected to result in an absent or disrupted protein product. However, the current clinical and genetic evidence is not sufficient to establish whether loss-of-function variants in DDX58 cause disease. This variant is present in population databases (rs748143037, gnomAD 0.02%). This variant has not been reported in the literature in individuals affected with DDX58-related conditions. ClinVar contains an entry for this variant (Variation ID: 2983406). In summary, the available evidence is currently insufficient to determine the role of this variant in disease. Therefore, it has been classified as a Variant of Uncertain Significance.

NM_014314.4(RIGI):c.2377dup (p.Ser793fs)

Genes: RIGI (RNA sensor RIG-I; minus strand), LOC101060445 (uncharacterized LOC101060445; plus strand). Cytogenetic location: 9p21.1.
Variant type: Duplication.
Coding change: c.2377dup on transcript NM_014314.4 (MANE Select); coding-DNA position 2377, one base duplicated (A; older notation c.2377dupA).
Protein change: p.Ser793fs; shifts the reading frame from serine 793.
Molecular consequence: frameshift variant.
Genome position (GRCh38, 1-based): chr9:32,459,475, T duplicated on the plus strand (A on the coding strand, the reverse complement: RIGI is on the minus strand). VCF-style (leftmost placement, unchanged base first): chr9-32459474-C-CT. GRCh37 (hg19) VCF-style: chr9-32459472-C-CT.
Other names: c.2371dup, p.Ser791fs (NM_001385907.1); c.2206dup, p.Ser736fs (NM_001385909.1); c.1936dup, p.Ser646fs (NM_001385910.1); c.1768dup, p.Ser590fs (NM_001385912.1); c.2362dup, p.Ser788fs (NM_001385913.1); c.1933dup, p.Ser645fs (NM_001385914.1); short protein forms S590fs, S645fs, S736fs, S791fs, S793fs, S646fs, S788fs.
Identifiers: ClinVar variation 2983406 (VCV002983406.3), dbSNP rs748143037, ClinGen allele CA5019507.